The following is an entry in ClinVar:

ClinVar aggregate classification (germline): Uncertain significance (1 of 4 stars; one submission).

Conditions:
Cowden syndrome 6 (CWS6). Identifiers: Orphanet 201, MedGen C3554519, MONDO:0014048, OMIM 615109.

Submission:

Labcorp Genetics (formerly Invitae), Labcorp
Classification: Uncertain significance for Cowden syndrome 6. Last evaluated: 2019-11-09. Review status: criteria provided, single submitter. Criteria: Invitae Variant Classification Sherloc (09022015). Collection method: clinical testing. Allele origin: germline.
Comment: This sequence change replaces serine with glycine at codon 2 of the AKT1 protein (p.Ser2Gly). The serine residue is weakly conserved and there is a small physicochemical difference between serine and glycine. This variant is not present in population databases (ExAC no frequency). This variant has not been reported in the literature in individuals with AKT1-related disease. ClinVar contains an entry for this variant (Variation ID: 568540). Algorithms developed to predict the effect of missense changes on protein structure and function (SIFT, PolyPhen-2, Align-GVGD) all suggest that this variant is likely to be tolerated, but these predictions have not been confirmed by published functional studies and their clinical significance is uncertain. In summary, the available evidence is currently insufficient to determine the role of this variant in disease. Therefore, it has been classified as a Variant of Uncertain Significance.

NM_001382430.1(AKT1):c.4A>G (p.Ser2Gly)

Gene: AKT1 (AKT serine/threonine kinase 1; minus strand). Cytogenetic location: 14q32.33.
Variant type: single nucleotide variant.
Coding change: c.4A>G on transcript NM_001382430.1 (MANE Select); coding-DNA position 4, A replaced by G.
Protein change: p.Ser2Gly; replaces serine 2 with glycine.
Molecular consequence: missense variant.
Genome position (GRCh38, 1-based): chr14:104,792,640, T>C on the plus strand (A>G on the coding strand, the complement: AKT1 is on the minus strand). VCF-style: chr14-104792640-T-C. GRCh37 (hg19) VCF-style: chr14-105258977-T-C.
Other names: c.4A>G, p.Ser2Gly (NM_001014431.2, NM_001014432.2, NM_001382431.1 and 3 more transcripts); short protein forms S2G.
Identifiers: ClinVar variation 568540 (VCV000568540.10), dbSNP rs1566826869, ClinGen allele CA391223990.